The following is an entry in ClinVar:

ClinVar aggregate classification (germline): Likely pathogenic. Review status: criteria provided, multiple submitters, no conflicts (2 of 4 stars). 2 submissions from 2 submitters: Likely pathogenic (2). Last evaluated 2022-10-05.

Conditions:
Marfan syndrome (MFS). Also called: Marfan syndrome, classic; FBN1-Related Marfan Syndrome; Marfan syndrome type 1; Marfan's syndrome; MARFAN SYNDROME, TYPE I. Identifiers: Orphanet 284963, Orphanet 558, MedGen C0024796, MONDO:0007947, OMIM 154700.
Familial thoracic aortic aneurysm and aortic dissection (TAAD). Also called: Thoracic aortic aneurysms and dissections. Identifiers: Orphanet 91387, MedGen C4707243, MONDO:0019625.

Submissions (2):

Institute of Human Genetics, University of Leipzig Medical Center
Classification: Likely pathogenic for Marfan syndrome. Last evaluated: 2022-10-05. Review status: criteria provided, single submitter. Criteria: ACMG Guidelines, 2015. Collection method: clinical testing. Allele origin: unknown. Affected: yes.
Comment: _x000D_ Criteria applied: PS4_MOD, PM2_SUP, PP2, PP3, PP4

Labcorp Genetics (formerly Invitae), Labcorp
Classification: Likely pathogenic for Marfan syndrome; Familial thoracic aortic aneurysm and aortic dissection. Last evaluated: 2021-01-12. Review status: criteria provided, single submitter. Criteria: Invitae Variant Classification Sherloc (09022015). Collection method: clinical testing. Allele origin: germline.
Comment: This sequence change replaces phenylalanine with cysteine at codon 1954 of the FBN1 protein (p.Phe1954Cys). The phenylalanine residue is highly conserved and there is a large physicochemical difference between phenylalanine and cysteine. This variant is not present in population databases (ExAC no frequency). This variant has been observed in individual(s) with clinical features of Marfan syndrome (PMID: 19839986, 25101912, Invitae). ClinVar contains an entry for this variant (Variation ID: 180357). Advanced modeling of protein sequence and biophysical properties (such as structural, functional, and spatial information, amino acid conservation, physicochemical variation, residue mobility, and thermodynamic stability) performed at Invitae indicates that this missense variant is expected to disrupt FBN1 protein function. In summary, the currently available evidence indicates that the variant is pathogenic, but additional data are needed to prove that conclusively. Therefore, this variant has been classified as Likely Pathogenic.

Literature cited by the submitters: PubMed 19839986 (cited by Labcorp Genetics (formerly Invitae), Labcorp); PubMed 25101912 (cited by Labcorp Genetics (formerly Invitae), Labcorp).

NM_000138.5(FBN1):c.5861T>G (p.Phe1954Cys)

Gene: FBN1 (fibrillin 1; minus strand). Cytogenetic location: 15q21.1.
Variant type: single nucleotide variant.
Coding change: c.5861T>G on transcript NM_000138.5 (MANE Select); coding-DNA position 5861, T replaced by G.
Protein change: p.Phe1954Cys; replaces phenylalanine 1954 with cysteine.
Molecular consequence: missense variant.
Genome position (GRCh38, 1-based): chr15:48,445,432, A>C on the plus strand (T>G on the coding strand, the complement: FBN1 is on the minus strand). VCF-style: chr15-48445432-A-C. GRCh37 (hg19) VCF-style: chr15-48737629-A-C.
Other names: short protein forms F1954C.
Identifiers: ClinVar variation 180357 (VCV000180357.9), dbSNP rs730880104, ClinGen allele CA016122.